The following is an entry in ClinVar:

NM_005529.7(HSPG2):c.9291C>T (p.Tyr3097=)

Gene: HSPG2 (heparan sulfate proteoglycan 2; minus strand). Cytogenetic location: 1p36.12.
Variant type: single nucleotide variant.
Coding change: c.9291C>T on transcript NM_005529.7 (MANE Select); coding-DNA position 9291, C replaced by T.
Protein change: p.Tyr3097=; no amino-acid change (tyrosine 3097 retained).
Molecular consequence: synonymous variant.
Genome position (GRCh38, 1-based): chr1:21,841,576, G>A on the plus strand (C>T on the coding strand, the complement: HSPG2 is on the minus strand). VCF-style: chr1-21841576-G-A. GRCh37 (hg19) VCF-style: chr1-22168069-G-A.
Other names: c.9294C>T, p.Tyr3098= (NM_001291860.2).
Identifiers: ClinVar variation 287527 (VCV000287527.15), dbSNP rs534949106, ClinGen allele CA670497.

ClinVar aggregate classification (germline): Conflicting classifications of pathogenicity. Review status: criteria provided, conflicting classifications (1 of 4 stars). 3 submissions from 3 submitters: Uncertain significance (1); Likely benign (2). Last evaluated 2026-06-01.

Allele frequency attached by ClinVar (database versions not stated): gnomAD exomes 0.00004 and 0.00005; ExAC 0.00006; gnomAD 0.00006; TOPMed 0.00008; 1000 Genomes Project 30x 0.00031; 1000 Genomes Project 0.00040.
gnomAD v4.1: 70 of 1,614,148 alleles (0.0043%); highest among the groups gnomAD compares: Middle Eastern, 0.033%; no homozygotes.

Submissions (3):

CeGaT Center for Human Genetics Tuebingen
Classification: Likely benign. Last evaluated: 2026-06-01. Review status: criteria provided, single submitter. Criteria: CeGaT Center For Human Genetics Tuebingen Variant Classification Criteria Version 2. Collection method: clinical testing. Allele origin: germline. Affected: yes. Observed: 1 variant allele.
Comment: HSPG2: BP4, BP7

Labcorp Genetics (formerly Invitae), Labcorp
Classification: Likely benign. Last evaluated: 2025-06-17. Review status: criteria provided, single submitter. Criteria: Invitae Variant Classification Sherloc (09022015). Collection method: clinical testing. Allele origin: germline.

Eurofins Ntd Llc (ga)
Classification: Uncertain significance. Last evaluated: 2016-05-03. Review status: criteria provided, single submitter. Criteria: EGL Classification Definitions 2015. Collection method: clinical testing. Allele origin: germline. Observed: 1 variant allele, 1 heterozygote.